The following is an entry in ClinVar:

NM_020529.3(NFKBIA):c.340C>G (p.Pro114Ala)

Genes: NFKBIA (NFKB inhibitor alpha; minus strand), LOC130055494 (ATAC-STARR-seq lymphoblastoid active region 8276; plus strand). Cytogenetic location: 14q13.2.
Variant type: single nucleotide variant.
Coding change: c.340C>G on transcript NM_020529.3 (MANE Select); coding-DNA position 340, C replaced by G.
Protein change: p.Pro114Ala; replaces proline 114 with alanine.
Molecular consequence: missense variant.
Genome position (GRCh38, 1-based): chr14:35,403,357, G>C on the plus strand (C>G on the coding strand, the complement: NFKBIA is on the minus strand). VCF-style: chr14-35403357-G-C. GRCh37 (hg19) VCF-style: chr14-35872563-G-C.
Other names: short protein forms P114A.
Identifiers: ClinVar variation 1404682 (VCV001404682.6), dbSNP rs763639524, ClinGen allele CA389453845.

ClinVar aggregate classification (germline): Uncertain significance (1 of 4 stars; one submission).

Conditions:
Ectodermal dysplasia and immunodeficiency 2. Identifiers: Orphanet 238468, Orphanet 98813, MedGen C2677481, MONDO:0012806, OMIM 612132.

Submission:

Labcorp Genetics (formerly Invitae), Labcorp
Classification: Uncertain significance for Ectodermal dysplasia and immunodeficiency 2. Last evaluated: 2021-10-15. Review status: criteria provided, single submitter. Criteria: Invitae Variant Classification Sherloc (09022015). Collection method: clinical testing. Allele origin: germline.
Comment: This sequence change replaces proline with alanine at codon 114 of the NFKBIA protein (p.Pro114Ala). The proline residue is highly conserved and there is a small physicochemical difference between proline and alanine. This variant is not present in population databases (ExAC no frequency). This variant has not been reported in the literature in individuals affected with NFKBIA-related conditions. Algorithms developed to predict the effect of missense changes on protein structure and function (SIFT, PolyPhen-2, Align-GVGD) all suggest that this variant is likely to be tolerated. In summary, the available evidence is currently insufficient to determine the role of this variant in disease. Therefore, it has been classified as a Variant of Uncertain Significance.